The following is an entry in ClinVar:

NM_002471.4(MYH6):c.1975A>C (p.Lys659Gln)

Gene: MYH6 (myosin heavy chain 6; minus strand). Cytogenetic location: 14q11.2.
Variant type: single nucleotide variant.
Coding change: c.1975A>C on transcript NM_002471.4 (MANE Select); coding-DNA position 1975, A replaced by C.
Protein change: p.Lys659Gln; replaces lysine 659 with glutamine.
Molecular consequence: missense variant.
Genome position (GRCh38, 1-based): chr14:23,397,245, T>G on the plus strand (A>C on the coding strand, the complement: MYH6 is on the minus strand). VCF-style: chr14-23397245-T-G. GRCh37 (hg19) VCF-style: chr14-23866454-T-G.
Other names: short protein forms K659Q.
Identifiers: ClinVar variation 4614618 (VCV004614618.1).

ClinVar aggregate classification (germline): Uncertain significance (1 of 4 stars; one submission).

Conditions:
Cardiovascular phenotype. Identifiers: MedGen CN230736.

Submission:

Ambry Genetics
Classification: Uncertain significance for Cardiovascular phenotype. Last evaluated: 2025-11-04. Review status: criteria provided, single submitter. Criteria: Ambry Variant Classification Scheme 2023. Collection method: clinical testing. Allele origin: germline.
Comment: The p.K659Q variant (also known as c.1975A>C), located in coding exon 15 of the MYH6 gene, results from an A to C substitution at nucleotide position 1975. The lysine at codon 659 is replaced by glutamine, an amino acid with similar properties. This amino acid position is conserved. In addition, the in silico prediction for this alteration is inconclusive. Based on the available evidence, the clinical significance of this variant remains unclear.